The following is an entry in ClinVar:

NM_024312.5(GNPTAB):c.2918dup (p.Pro974_Glu975insTer)

Gene: GNPTAB (N-acetylglucosamine-1-phosphate transferase subunits alpha and beta; minus strand). Cytogenetic location: 12q23.2.
Variant type: Duplication.
Coding change: c.2918dup on transcript NM_024312.5 (MANE Select); coding-DNA position 2918, one base duplicated (T; older notation c.2918dupT).
Protein change: p.Pro974_Glu975insTer.
Molecular consequence: frameshift variant.
Genome position (GRCh38, 1-based): chr12:101,761,344, A duplicated on the plus strand (T on the coding strand, the reverse complement: GNPTAB is on the minus strand); the first of 2 consecutive A bases (chr12:101,761,344-101,761,345); duplicating either gives the same sequence. VCF-style (leftmost placement, unchanged base first): chr12-101761343-G-GA. GRCh37 (hg19) VCF-style: chr12-102155121-G-GA.
Other names: AY687932:c.2916_2917insT.
Identifiers: ClinVar variation 38421 (VCV000038421.3), dbSNP rs281865032, ClinGen allele CA343073.

ClinVar aggregate classification (germline): Pathogenic (0 of 4 stars; one submission).

Conditions:
Mucolipidosis type II. Also called: Mucolipidosis 2; ML 2; Inclusion cell disease; Leroy Disease; N-acetylglucosamine 1phosphotransferase deficiency; ML disorder type 2. Identifiers: Orphanet 576, MedGen C2673377, MONDO:0009650, OMIM 252500.

Submission:

GeneReviews
Classification: Pathogenic for Mucolipidosis III Alpha/Beta. Last evaluated: 2012-05-10. Review status: no assertion criteria provided. Collection method: curation. Allele origin: unknown.
ClinVar note: Converted during submission from pathologic to Pathogenic.